The following is an entry in ClinVar:

NM_138295.5(PKD1L1):c.3351C>A (p.Ser1117=)

Gene: PKD1L1 (polycystin 1 like 1, transient receptor potential channel interacting; minus strand). Cytogenetic location: 7p12.3.
Variant type: single nucleotide variant.
Coding change: c.3351C>A on transcript NM_138295.5 (MANE Select); coding-DNA position 3351, C replaced by A.
Protein change: p.Ser1117=; no amino-acid change (serine 1117 retained).
Molecular consequence: synonymous variant.
Genome position (GRCh38, 1-based): chr7:47,882,000, G>T on the plus strand (C>A on the coding strand, the complement: PKD1L1 is on the minus strand). VCF-style: chr7-47882000-G-T. GRCh37 (hg19) VCF-style: chr7-47921598-G-T.
Identifiers: ClinVar variation 3030549 (VCV003030549.2), dbSNP rs1237755261, ClinGen allele CA454916755.

ClinVar aggregate classification (germline): Likely benign (0 of 4 stars; one submission).

Conditions:
PKD1L1-related disorder. Also called: PKD1L1-related condition.

Allele frequency attached by ClinVar (database versions not stated): gnomAD exomes below 0.00001.
gnomAD v4.1: 8 of 1,614,064 alleles (0.0005%); highest among the groups gnomAD compares: Middle Eastern, 0.05%; no homozygotes.

Submission:

PreventionGenetics, part of Exact Sciences
Classification: Likely benign for PKD1L1-related condition. Last evaluated: 2021-04-07. Review status: no assertion criteria provided. Collection method: clinical testing. Allele origin: germline.
Comment: This variant is classified as likely benign based on ACMG/AMP sequence variant interpretation guidelines (Richards et al. 2015 PMID: 25741868, with internal and published modifications).